The following is an entry in ClinVar:

NM_000548.5(TSC2):c.1249C>T (p.Gln417Ter)

Gene: TSC2 (TSC complex subunit 2; plus strand). Cytogenetic location: 16p13.3.
Variant type: single nucleotide variant.
Coding change: c.1249C>T on transcript NM_000548.5 (MANE Select); coding-DNA position 1249, C replaced by T.
Protein change: p.Gln417Ter; replaces glutamine 417 with a stop codon.
Molecular consequence: nonsense.
Genome position (GRCh38, 1-based): chr16:2,062,000, C>T. VCF-style: chr16-2062000-C-T. GRCh37 (hg19) VCF-style: chr16-2112001-C-T.
Other names: c.1249C>T, p.Gln417Ter (NM_001077183.3, NM_001114382.3, NM_001363528.2 and 3 more transcripts); c.1138C>T, p.Gln380Ter (NM_001318827.2); c.1102C>T, p.Gln368Ter (NM_001318829.2); c.649C>T, p.Gln217Ter (NM_001318831.2); c.1282C>T, p.Gln428Ter (NM_001318832.2); short protein forms Q417*, Q380*, Q217*, Q368*, Q428*.
Identifiers: ClinVar variation 50175 (VCV000050175.4), dbSNP rs45517158, ClinGen allele CA014169.

ClinVar aggregate classification (germline): Pathogenic. Review status: criteria provided, multiple submitters, no conflicts (2 of 4 stars). 3 submissions from 3 submitters: Pathogenic (2). 1 of the submissions does not count toward it. Last evaluated 2016-11-01.

Conditions:
Tuberous sclerosis syndrome (TSC). Also called: Tuberous Sclerosis Complex; Tuberous sclerosis. Identifiers: Orphanet 805, MedGen C0041341, MONDO:0001734.
Tuberous sclerosis 2 (TSC2). Identifiers: Orphanet 805, MedGen C1860707, MONDO:0013199, OMIM 613254.

Submissions (3):

Center for Human Genetics, Inc
Classification: Pathogenic for Tuberous sclerosis 2. Last evaluated: 2016-11-01. Review status: criteria provided, single submitter. Criteria: ACMG Guidelines, 2015. Collection method: clinical testing. Allele origin: germline. Affected: yes.

Juno Genomics, Hangzhou Juno Genomics, Inc
Classification: Pathogenic for Tuberous sclerosis 2. Review status: criteria provided, single submitter. Criteria: ACMG Guidelines, 2015. Collection method: clinical testing. Allele origin: germline. Affected: yes.
Comment: Null variant in a gene where loss of function (LOF) is a known mechanism of disease.;Absent from controls (or at extremely low frequency if recessive) in Genome Aggregation Database, Exome Sequencing Project, 1000 Genomes Project, or Exome Aggregation Consortium.;The prevalence of the variant in affected individuals is significantly increased compared to the prevalence in controls.;Patient's phenotype or family history is highly specific for a disease with a single genetic etiology.

Tuberous sclerosis database (TSC2)
No classification provided. Condition: TSC. Review status: no classification provided. Criteria: Tuberous Sclerosis Database Assertion Criteria 2015. Collection method: curation. Allele origin: germline. Affected: yes. Not counted in ClinVar's aggregate classification.